The following is an entry in ClinVar:

ClinVar aggregate classification (germline): Uncertain significance (1 of 4 stars; one submission).

Submission:

Labcorp Genetics (formerly Invitae), Labcorp
Classification: Uncertain significance. Last evaluated: 2024-02-17. Review status: criteria provided, single submitter. Criteria: Invitae Variant Classification Sherloc (09022015). Collection method: clinical testing. Allele origin: germline.
Comment: This sequence change replaces serine, which is neutral and polar, with arginine, which is basic and polar, at codon 1874 of the ADGRV1 protein (p.Ser1874Arg). This variant is not present in population databases (gnomAD no frequency). This variant has not been reported in the literature in individuals affected with ADGRV1-related conditions. ClinVar contains an entry for this variant (Variation ID: 1502018). Advanced modeling of protein sequence and biophysical properties (such as structural, functional, and spatial information, amino acid conservation, physicochemical variation, residue mobility, and thermodynamic stability) performed at Invitae indicates that this missense variant is not expected to disrupt ADGRV1 protein function with a negative predictive value of 95%. In summary, the available evidence is currently insufficient to determine the role of this variant in disease. Therefore, it has been classified as a Variant of Uncertain Significance.

NM_032119.4(ADGRV1):c.5622T>A (p.Ser1874Arg)

Gene: ADGRV1 (adhesion G protein-coupled receptor V1; plus strand). Cytogenetic location: 5q14.3.
Variant type: single nucleotide variant.
Coding change: c.5622T>A on transcript NM_032119.4 (MANE Select); coding-DNA position 5622, T replaced by A.
Protein change: p.Ser1874Arg; replaces serine 1874 with arginine.
Molecular consequence: missense variant. On other transcripts: non-coding transcript variant (1).
Genome position (GRCh38, 1-based): chr5:90,681,412, T>A. VCF-style: chr5-90681412-T-A. GRCh37 (hg19) VCF-style: chr5-89977229-T-A.
Other names: short protein forms S1874R.
Identifiers: ClinVar variation 1502018 (VCV001502018.6), dbSNP rs2149574792, ClinGen allele CA360412501.